The following is an entry in ClinVar:

NM_005502.4(ABCA1):c.3633A>G (p.Glu1211=)

Gene: ABCA1 (ATP binding cassette subfamily A member 1; minus strand). Cytogenetic location: 9q31.1.
Variant type: single nucleotide variant.
Coding change: c.3633A>G on transcript NM_005502.4 (MANE Select); coding-DNA position 3633, A replaced by G.
Protein change: p.Glu1211=; no amino-acid change (glutamic acid 1211 retained).
Molecular consequence: synonymous variant.
Genome position (GRCh38, 1-based): chr9:104,816,248, T>C on the plus strand (A>G on the coding strand, the complement: ABCA1 is on the minus strand). VCF-style: chr9-104816248-T-C. GRCh37 (hg19) VCF-style: chr9-107578529-T-C.
Other names: p.Glu1211=.
Identifiers: ClinVar variation 364413 (VCV000364413.20), dbSNP rs34788556, ClinGen allele CA5168376.

ClinVar aggregate classification (germline): Benign. Review status: criteria provided, multiple submitters, no conflicts (2 of 4 stars). 8 submissions from 7 submitters: Benign (7). 1 of the submissions does not count toward it. Last evaluated 2026-02-02.

Conditions:
Cardiovascular phenotype. Identifiers: MedGen CN230736.
Tangier disease (TGD). Also called: Cholesterol thesaurismosis; HIGH DENSITY LIPOPROTEIN DEFICIENCY, TANGIER TYPE; HIGH DENSITY LIPOPROTEIN DEFICIENCY, TYPE 1. Identifiers: Orphanet 31150, MedGen C0039292, MONDO:0008783, OMIM 205400.
ABCA1-related disorder. Also called: ABCA1-related condition; ABCA1-related disorders. Identifiers: MedGen CN239173.
Hypoalphalipoproteinemia, primary, 1. Identifiers: Orphanet 425, MedGen C5231558, MONDO:0011393, OMIM 604091.

Allele frequency attached by ClinVar (database versions not stated): gnomAD exomes 0.00900 and 0.01405; ExAC 0.01557; 1000 Genomes Project 0.03554; gnomAD 0.03831 and 0.04127; 1000 Genomes Project 30x 0.03873; ESP Exome Variant Server 0.04121; TOPMed 0.04271.
gnomAD v4.1: 19,388 of 1,614,116 alleles (1.2%); highest among the groups gnomAD compares: African/African-American, 12%; 559 homozygotes.

Submissions (8):

Labcorp Genetics (formerly Invitae), Labcorp
Classification: Benign. Last evaluated: 2026-02-02. Review status: criteria provided, single submitter. Criteria: Invitae Variant Classification Sherloc (09022015). Collection method: clinical testing. Allele origin: germline.

Mayo Clinic Laboratories, Mayo Clinic
Classification: Benign. Last evaluated: 2019-11-19. Review status: criteria provided, single submitter. Criteria: ACMG Guidelines, 2015. Collection method: clinical testing. Allele origin: germline. Observed: 41 variant alleles.

Ambry Genetics
Classification: Benign for Cardiovascular phenotype. Last evaluated: 2019-07-05. Review status: criteria provided, single submitter. Criteria: Ambry Variant Classification Scheme 2023. Collection method: clinical testing. Allele origin: germline.

GeneDx
Classification: Benign. Last evaluated: 2018-10-20. Review status: criteria provided, single submitter. Criteria: GeneDx Variant Classification Process June 2021. Collection method: clinical testing. Allele origin: germline. Affected: yes.

Illumina Laboratory Services, Illumina
Classification: Benign for Tangier disease. Last evaluated: 2018-01-13. Review status: criteria provided, single submitter. Criteria: ICSL Variant Classification Criteria 13 December 2019. Collection method: clinical testing. Allele origin: germline.
Comment: This variant was observed in the ICSL laboratory as part of a predisposition screen in an ostensibly healthy population. It had not been previously curated by ICSL or reported in the Human Gene Mutation Database (HGMD: prior to June 1st, 2018), and was therefore a candidate for classification through an automated scoring system. Utilizing variant allele frequency, disease prevalence and penetrance estimates, and inheritance mode, an automated score was calculated to assess if this variant is too frequent to cause the disease. Based on the score and internal cut-off values, a variant classified as benign is not then subjected to further curation. The score for this variant resulted in a classification of benign for this disease.

Illumina Laboratory Services, Illumina
Classification: Benign for Hypoalphalipoproteinemia, primary, 1. Last evaluated: 2018-01-13. Review status: criteria provided, single submitter. Criteria: ICSL Variant Classification Criteria 13 December 2019. Collection method: clinical testing. Allele origin: germline.
Comment: the same text as in the submission from Illumina Laboratory Services, Illumina above.

Breakthrough Genomics
Classification: Benign. Review status: criteria provided, single submitter. Criteria: ACMG Guidelines, 2015. Collection method: not provided. Allele origin: germline. Inheritance: Autosomal recessive inheritance. Affected: yes.

PreventionGenetics, part of Exact Sciences
Classification: Benign for ABCA1-related condition. Last evaluated: 2019-06-04. Review status: no assertion criteria provided. Collection method: clinical testing. Allele origin: germline. Not counted in ClinVar's aggregate classification.
Comment: This variant is classified as benign based on ACMG/AMP sequence variant interpretation guidelines (Richards et al. 2015 PMID: 25741868, with internal and published modifications).